The following is an entry in ClinVar:

NM_005996.4(TBX3):c.-417T>G

Genes: TBX3 (T-box transcription factor 3; minus strand), TBX3-AS1 (TBX3 antisense RNA 1; plus strand). Cytogenetic location: 12q24.21.
Variant type: single nucleotide variant.
Coding change: c.-417T>G on transcript NM_005996.4 (MANE Select); 417 bases upstream of the start codon, T replaced by G.
Molecular consequence: 5 prime UTR variant.
Genome position (GRCh38, 1-based): chr12:114,683,617, A>C on the plus strand (T>G on the coding strand, the complement: TBX3 is on the minus strand). VCF-style: chr12-114683617-A-C. GRCh37 (hg19) VCF-style: chr12-115121422-A-C.
Other names: c.-417T>G (NM_016569.4).
Identifiers: ClinVar variation 307393 (VCV000307393.6), dbSNP rs36202980, ClinGen allele CA10632119.

ClinVar aggregate classification (germline): Benign. Review status: criteria provided, multiple submitters, no conflicts (2 of 4 stars). 2 submissions from 2 submitters: Benign (2). Last evaluated 2018-01-13.

Conditions:
Ulnar-mammary syndrome (UMS). Also called: SCHINZEL SYNDROME; Ulnar-mammary syndrome of Pallister; PALLISTER ULNAR-MAMMARY SYNDROME. Identifiers: Orphanet 3138, MedGen C1866994, MONDO:0008411, OMIM 181450.

Allele frequency attached by ClinVar (database versions not stated): gnomAD 0.01386 and 0.01540; TOPMed 0.01570; gnomAD exomes 0.01622; 1000 Genomes Project 0.02736; 1000 Genomes Project 30x 0.02983.

Submissions (2):

Illumina Laboratory Services, Illumina
Classification: Benign for Ulnar-mammary syndrome. Last evaluated: 2018-01-13. Review status: criteria provided, single submitter. Criteria: ICSL Variant Classification Criteria 13 December 2019. Collection method: clinical testing. Allele origin: germline.
Comment: This variant was observed in the ICSL laboratory as part of a predisposition screen in an ostensibly healthy population. It had not been previously curated by ICSL or reported in the Human Gene Mutation Database (HGMD: prior to June 1st, 2018), and was therefore a candidate for classification through an automated scoring system. Utilizing variant allele frequency, disease prevalence and penetrance estimates, and inheritance mode, an automated score was calculated to assess if this variant is too frequent to cause the disease. Based on the score and internal cut-off values, a variant classified as benign is not then subjected to further curation. The score for this variant resulted in a classification of benign for this disease.

Breakthrough Genomics
Classification: Benign. Review status: criteria provided, single submitter. Criteria: ACMG Guidelines, 2015. Collection method: not provided. Allele origin: germline. Inheritance: Autosomal dominant inheritance. Affected: yes.